The following is an entry in ClinVar:

ClinVar aggregate classification (germline): Conflicting classifications of pathogenicity. Review status: criteria provided, conflicting classifications (1 of 4 stars). 3 submissions from 3 submitters: Uncertain significance (2); Likely benign (1). Last evaluated 2025-12-01.

Conditions:
Ehlers-Danlos syndrome, classic type, 1 (EDSCL1). Also called: Ehlers-Danlos Syndrome, Classic Type, COL5A1-Related; EHLERS-DANLOS SYNDROME, GRAVIS TYPE; EHLERS-DANLOS SYNDROME, SEVERE CLASSIC TYPE; Ehlers-Danlos syndrome, type 1; EDS I. Identifiers: MedGen C0268335, MONDO:0019567, OMIM 130000.
Familial thoracic aortic aneurysm and aortic dissection (TAAD). Also called: Thoracic aortic aneurysms and dissections. Identifiers: Orphanet 91387, MedGen C4707243, MONDO:0019625.

Allele frequency attached by ClinVar (database versions not stated): ExAC 0.00007; gnomAD 0.00001; TOPMed 0.00001; gnomAD exomes 0.00002 and 0.00005.
gnomAD v4.1: 37 of 1,613,906 alleles (0.0023%); highest among the groups gnomAD compares: Middle Eastern, 0.016%; no homozygotes.

Submissions (3):

Labcorp Genetics (formerly Invitae), Labcorp
Classification: Likely benign for Ehlers-Danlos syndrome, classic type, 1. Last evaluated: 2025-12-01. Review status: criteria provided, single submitter. Criteria: Invitae Variant Classification Sherloc (09022015). Collection method: clinical testing. Allele origin: germline.

Ambry Genetics
Classification: Uncertain significance for Familial thoracic aortic aneurysm and aortic dissection. Last evaluated: 2025-03-04. Review status: criteria provided, single submitter. Criteria: Ambry Variant Classification Scheme 2023. Collection method: clinical testing. Allele origin: germline.
Comment: The p.P602L variant (also known as c.1805C>T), located in coding exon 16 of the COL5A1 gene, results from a C to T substitution at nucleotide position 1805. The proline at codon 602 is replaced by leucine, an amino acid with similar properties. This amino acid position is well conserved in available vertebrate species. In addition, the in silico prediction for this alteration is inconclusive. Since supporting evidence is limited at this time, the clinical significance of this alteration remains unclear.

GeneDx
Classification: Uncertain significance. Last evaluated: 2021-08-19. Review status: criteria provided, single submitter. Criteria: GeneDx Variant Classification Process June 2021. Collection method: clinical testing. Allele origin: germline. Affected: yes.
Comment: In silico analysis supports that this missense variant has a deleterious effect on protein structure/function; Has not been previously published as pathogenic or benign to our knowledge

NM_000093.5(COL5A1):c.1805C>T (p.Pro602Leu)

Gene: COL5A1 (collagen type V alpha 1 chain; plus strand). Cytogenetic location: 9q34.3.
Variant type: single nucleotide variant.
Coding change: c.1805C>T on transcript NM_000093.5 (MANE Select); coding-DNA position 1805, C replaced by T.
Protein change: p.Pro602Leu; replaces proline 602 with leucine.
Molecular consequence: missense variant.
Genome position (GRCh38, 1-based): chr9:134,754,304, C>T. VCF-style: chr9-134754304-C-T. GRCh37 (hg19) VCF-style: chr9-137646150-C-T.
Other names: p.P602L:CCG>CTG; c.1805C>T, p.Pro602Leu (NM_001278074.1); short protein forms P602L.
Identifiers: ClinVar variation 212942 (VCV000212942.18), dbSNP rs749007253, ClinGen allele CA325203.